The following is an entry in ClinVar:

NM_001195553.2(DCX):c.809-5C>T

Gene: DCX (doublecortin; minus strand). Cytogenetic location: Xq23.
Variant type: single nucleotide variant.
Coding change: c.809-5C>T on transcript NM_001195553.2 (MANE Select); 5 bases into the intron before coding-DNA position 809, C replaced by T.
Molecular consequence: intron variant.
Genome position (GRCh38, 1-based): chrX:111,331,046, G>A on the plus strand (C>T on the coding strand, the complement: DCX is on the minus strand). VCF-style: chrX-111331046-G-A. GRCh37 (hg19) VCF-style: chrX-110574274-G-A.
Other names: c.809-5C>T (NM_001369373.1, NM_178153.3, NM_001369372.1 and 6 more transcripts); c.1052-5C>T (NM_000555.3).
Identifiers: ClinVar variation 3764555 (VCV003764555.1).
Genomic context (GRCh38, chrX:111,331,046, plus strand): 5'-TGGGGATGCCTTTGGGCCAGCTGTGGCTGATGGGTTTCCCTTCATGACTCGGCATTCTGG[G>A]GCAAAAGGACACAGACAGCTTAGTAGAGGATAAAACAGGCTCAGCATGTTATCAGCCTCT-3'

ClinVar aggregate classification (germline): Uncertain significance (1 of 4 stars; one submission).

Conditions:
DCX-related disorder. Also called: DCX-related condition; DCX-Related Disorders. Identifiers: MedGen CN381525.

Submission:

Daryl Scott Lab, Baylor College of Medicine
Classification: Uncertain significance for DCX-related disorder. Last evaluated: 2024-01-01. Review status: criteria provided, single submitter. Criteria: ACMG Guidelines, 2015. Collection method: clinical testing. Allele origin: maternal. Observed: 1 heterozygote.
Comment: PM2